The following is an entry in ClinVar:

ClinVar aggregate classification (germline): Uncertain significance. Review status: criteria provided, multiple submitters, no conflicts (2 of 4 stars). 2 submissions from 2 submitters: Uncertain significance (2). Last evaluated 2026-01-15.

Conditions:
Inborn genetic diseases. Identifiers: MedGen C0950123, MeSH D030342.

gnomAD v4.1: 25 of 1,614,008 alleles (0.0015%); highest among the groups gnomAD compares: Middle Eastern, 0.033%; 1 homozygote.

Submissions (2):

Labcorp Genetics (formerly Invitae), Labcorp
Classification: Uncertain significance. Last evaluated: 2026-01-15. Review status: criteria provided, single submitter. Criteria: Invitae Variant Classification Sherloc (09022015). Collection method: clinical testing. Allele origin: germline.
Comment: This sequence change replaces glycine, which is neutral and non-polar, with arginine, which is basic and polar, at codon 553 of the ACO2 protein (p.Gly553Arg). This variant is present in population databases (rs151082937, gnomAD 0.009%). This variant has not been reported in the literature in individuals affected with ACO2-related conditions. ClinVar contains an entry for this variant (Variation ID: 3824182). Invitae Evidence Modeling of protein sequence and biophysical properties (such as structural, functional, and spatial information, amino acid conservation, physicochemical variation, residue mobility, and thermodynamic stability) indicates that this missense variant is not expected to disrupt ACO2 protein function with a negative predictive value of 80%. In summary, the available evidence is currently insufficient to determine the role of this variant in disease. Therefore, it has been classified as a Variant of Uncertain Significance.

Ambry Genetics
Classification: Uncertain significance for Inborn genetic diseases. Last evaluated: 2025-03-14. Review status: criteria provided, single submitter. Criteria: Ambry Variant Classification Scheme 2023. Collection method: clinical testing. Allele origin: germline.

NM_001098.3(ACO2):c.1657G>A (p.Gly553Arg)

Genes: ACO2 (aconitase 2; plus strand), LOC130067544 (ATAC-STARR-seq lymphoblastoid active region 19118; plus strand). Cytogenetic location: 22q13.2.
Variant type: single nucleotide variant.
Coding change: c.1657G>A on transcript NM_001098.3 (MANE Select); coding-DNA position 1657, G replaced by A.
Protein change: p.Gly553Arg; replaces glycine 553 with arginine.
Molecular consequence: missense variant.
Genome position (GRCh38, 1-based): chr22:41,525,244, G>A. VCF-style: chr22-41525244-G-A. GRCh37 (hg19) VCF-style: chr22-41921248-G-A.
Other names: short protein forms G553R.
Identifiers: ClinVar variation 3824182 (VCV003824182.2).